The following is an entry in ClinVar:

NM_001042492.3(NF1):c.5791A>T (p.Ile1931Phe)

Gene: NF1 (neurofibromin 1; plus strand). Cytogenetic location: 17q11.2.
Variant type: single nucleotide variant.
Coding change: c.5791A>T on transcript NM_001042492.3 (MANE Select); coding-DNA position 5791, A replaced by T.
Protein change: p.Ile1931Phe; replaces isoleucine 1931 with phenylalanine.
Molecular consequence: missense variant.
Genome position (GRCh38, 1-based): chr17:31,330,477, A>T. VCF-style: chr17-31330477-A-T. GRCh37 (hg19) VCF-style: chr17-29657495-A-T.
Other names: c.5728A>T, p.Ile1910Phe (NM_000267.4); short protein forms I1910F, I1931F.
Identifiers: ClinVar variation 3371649 (VCV003371649.2).
Genomic context (GRCh38, chr17:31,330,477, plus strand): 5'-ATTAGTAAGACACTGGCAGCCAATGAGCCACACCTCACGTTAGAATTTTTGGAAGAGTGT[A>T]TTTCTGGATTTAGCAAATCTAGTAAGTAATGATAATTTTCTTTAATACTAACAATTATTC-3'
Protein context (NP_001035957.1, residues 1921-1941): HLTLEFLEEC[Ile1931Phe]SGFSKSSIEL

ClinVar aggregate classification (germline): Uncertain significance (1 of 4 stars; one submission).

Submission:

GeneDx
Classification: Uncertain significance. Last evaluated: 2024-11-06. Review status: criteria provided, single submitter. Criteria: GeneDx Variant Classification Process June 2021. Collection method: clinical testing. Allele origin: germline. Affected: yes.
Comment: Not observed at significant frequency in large population cohorts (gnomAD); In silico analysis supports that this missense variant has a deleterious effect on protein structure/function; Has not been previously published as pathogenic or benign to our knowledge